The following is an entry in ClinVar:

NM_001288705.3(CSF1R):c.1456A>G (p.Arg486Gly)

Gene: CSF1R (colony stimulating factor 1 receptor; minus strand). Cytogenetic location: 5q32.
Variant type: single nucleotide variant.
Coding change: c.1456A>G on transcript NM_001288705.3 (MANE Select); coding-DNA position 1456, A replaced by G.
Protein change: p.Arg486Gly; replaces arginine 486 with glycine.
Molecular consequence: missense variant. On other transcripts: non-coding transcript variant (2).
Genome position (GRCh38, 1-based): chr5:150,069,927, T>C on the plus strand (A>G on the coding strand, the complement: CSF1R is on the minus strand). VCF-style: chr5-150069927-T-C. GRCh37 (hg19) VCF-style: chr5-149449490-T-C.
Other names: c.1456A>G, p.Arg486Gly (NM_001349736.2, NM_001375320.1, NM_005211.4); c.1012A>G, p.Arg338Gly (NM_001375321.1); short protein forms R486G, R338G.
Identifiers: ClinVar variation 4752182 (VCV004752182.1).

ClinVar aggregate classification (germline): Uncertain significance (1 of 4 stars; one submission).

gnomAD v4.1: 2 of 1,614,044 alleles (0.00012%); highest among the groups gnomAD compares: Admixed American, 0.0017%; no homozygotes.

Submission:

Labcorp Genetics (formerly Invitae), Labcorp
Classification: Uncertain significance. Last evaluated: 2025-10-16. Review status: criteria provided, single submitter. Criteria: Invitae Variant Classification Sherloc (09022015). Collection method: clinical testing. Allele origin: germline.
Comment: This sequence change replaces arginine, which is basic and polar, with glycine, which is neutral and non-polar, at codon 486 of the CSF1R protein (p.Arg486Gly). This variant is present in population databases (rs773304095, gnomAD 0.003%). This variant has not been reported in the literature in individuals affected with CSF1R-related conditions. Invitae Evidence Modeling of protein sequence and biophysical properties (such as structural, functional, and spatial information, amino acid conservation, physicochemical variation, residue mobility, and thermodynamic stability) indicates that this missense variant is not expected to disrupt CSF1R protein function with a negative predictive value of 95%. In summary, the available evidence is currently insufficient to determine the role of this variant in disease. Therefore, it has been classified as a Variant of Uncertain Significance.